The following is an entry in ClinVar:

NM_001281740.3(FHOD3):c.516G>C (p.Leu172Phe)

Gene: FHOD3 (formin homology 2 domain containing 3; plus strand). Cytogenetic location: 18q12.2.
Variant type: single nucleotide variant.
Coding change: c.516G>C on transcript NM_001281740.3 (MANE Select); coding-DNA position 516, G replaced by C.
Protein change: p.Leu172Phe; replaces leucine 172 with phenylalanine.
Molecular consequence: missense variant.
Genome position (GRCh38, 1-based): chr18:36,576,455, G>C. VCF-style: chr18-36576455-G-C. GRCh37 (hg19) VCF-style: chr18-34156418-G-C.
Other names: c.516G>C, p.Leu172Phe (NM_001281739.3, NM_025135.5); short protein forms L172F.
Identifiers: ClinVar variation 3895415 (VCV003895415.1), dbSNP rs757562148.

ClinVar aggregate classification (germline): Uncertain significance (1 of 4 stars; one submission).

Conditions:
Cardiovascular phenotype. Identifiers: MedGen CN230736.

gnomAD v4.1: 81 of 1,611,080 alleles (0.005%); highest among the groups gnomAD compares: Non-Finnish European, 0.0066%; no homozygotes.

Submission:

Molecular Diagnostic Laboratory for Inherited Cardiovascular Disease, Montreal Heart Institute
Classification: Uncertain significance for Cardiovascular phenotype. Last evaluated: 2025-04-09. Review status: criteria provided, single submitter. Criteria: ACMG Guidelines, 2015. Collection method: clinical testing. Allele origin: germline. Affected: yes.
Comment: PM2, PP3